The following is an entry in ClinVar:

ClinVar aggregate classification (germline): Likely benign (0 of 4 stars; one submission).

Conditions:
EPPK1-related disorder. Also called: EPPK1-related condition.

Allele frequency attached by ClinVar (database versions not stated): ESP Exome Variant Server 0.00023; gnomAD exomes 0.00033; gnomAD 0.00065; TOPMed 0.00076; ExAC 0.00144; 1000 Genomes Project 30x 0.00234; 1000 Genomes Project 0.00260.

Submission:

PreventionGenetics, part of Exact Sciences
Classification: Likely benign for EPPK1-related condition. Last evaluated: 2021-04-26. Review status: no assertion criteria provided. Collection method: clinical testing. Allele origin: germline.
Comment: This variant is classified as likely benign based on ACMG/AMP sequence variant interpretation guidelines (Richards et al. 2015 PMID: 25741868, with internal and published modifications).

NM_031308.4(EPPK1):c.623G>A (p.Arg208Gln)

Gene: EPPK1 (epiplakin 1; minus strand). Cytogenetic location: 8q24.3.
Variant type: single nucleotide variant.
Coding change: c.623G>A on transcript NM_031308.4 (MANE Select); coding-DNA position 623, G replaced by A.
Protein change: p.Arg208Gln; replaces arginine 208 with glutamine.
Molecular consequence: missense variant.
Genome position (GRCh38, 1-based): chr8:143,872,631, C>T on the plus strand (G>A on the coding strand, the complement: EPPK1 is on the minus strand). VCF-style: chr8-143872631-C-T. GRCh37 (hg19) VCF-style: chr8-144946799-C-T.
Other names: short protein forms R208Q.
Identifiers: ClinVar variation 3052457 (VCV003052457.2), dbSNP rs201404508, ClinGen allele CA4923577.
Genomic context (GRCh38, chr8:143,872,631, plus strand): 5'-AAGGCTAGCCCCGAGCCGGGGGCACGCACACACCTTTCCAGCAGCTGGTGGTATGTCAGC[C>T]GCTCCAGCGTGTTGGGGTCGAGGAAGCGCAGGTCACCTGTGCCAGGCTCAAGCTCTGACA-3'
Protein context (NP_112598.3, residues 198-218): LRFLDPNTLE[Arg208Gln]LTYHQLLERC